The following is an entry in ClinVar:

ClinVar aggregate classification (germline): Pathogenic (1 of 4 stars; one submission).

Submission:

Labcorp Genetics (formerly Invitae), Labcorp
Classification: Pathogenic. Last evaluated: 2020-11-10. Review status: criteria provided, single submitter. Criteria: Invitae Variant Classification Sherloc (09022015). Collection method: clinical testing. Allele origin: germline.
Comment: For these reasons, this variant has been classified as Pathogenic. This variant has not been reported in the literature in individuals with ALPL-related conditions. This variant is a gross deletion of the genomic region encompassing exon(s) 3-4 of the ALPL gene. This deletion is out-of-frame, and is expected to create a premature translational stop signal and result in an absent or disrupted protein product. Loss-of-function variants in ALPL are known to be pathogenic (PMID: 3174660, 10679946, 19500388).

Literature cited by the submitters: PubMed 3174660; PubMed 10679946; PubMed 19500388.

NC_000001.10:g.(?_21887109)_(21887715_?)del

Gene: ALPL (alkaline phosphatase, biomineralization associated; plus strand). Cytogenetic location: 1p36.12.
Variant type: Deletion.
Identifiers: ClinVar variation 1394226 (VCV001394226.6).